The following is an entry in ClinVar:

ClinVar aggregate classification (germline): Uncertain significance (1 of 4 stars; one submission).

Submission:

GeneDx
Classification: Uncertain significance. Last evaluated: 2024-04-30. Review status: criteria provided, single submitter. Criteria: GeneDx Variant Classification Process June 2021. Collection method: clinical testing. Allele origin: germline. Affected: yes.
Comment: Not observed at significant frequency in large population cohorts (gnomAD); In silico analysis supports that this missense variant has a deleterious effect on protein structure/function; Has not been previously published as pathogenic or benign to our knowledge

NM_002439.5(MSH3):c.1605G>A (p.Met535Ile)

Gene: MSH3 (mutS homolog 3; plus strand). Cytogenetic location: 5q14.1.
Variant type: single nucleotide variant.
Coding change: c.1605G>A on transcript NM_002439.5 (MANE Select); coding-DNA position 1605, G replaced by A.
Protein change: p.Met535Ile; replaces methionine 535 with isoleucine.
Molecular consequence: missense variant.
Genome position (GRCh38, 1-based): chr5:80,741,500, G>A. VCF-style: chr5-80741500-G-A. GRCh37 (hg19) VCF-style: chr5-80037319-G-A.
Other names: short protein forms M535I.
Identifiers: ClinVar variation 3373314 (VCV003373314.1).